The following is an entry in ClinVar:

NM_005751.5(AKAP9):c.405G>C (p.Arg135Ser)

Gene: AKAP9 (A-kinase anchoring protein 9; plus strand). Cytogenetic location: 7q21.2.
Variant type: single nucleotide variant.
Coding change: c.405G>C on transcript NM_005751.5 (MANE Select); coding-DNA position 405, G replaced by C.
Protein change: p.Arg135Ser; replaces arginine 135 with serine.
Molecular consequence: missense variant.
Genome position (GRCh38, 1-based): chr7:91,992,211, G>C. VCF-style: chr7-91992211-G-C. GRCh37 (hg19) VCF-style: chr7-91621525-G-C.
Other names: c.405G>C, p.Arg135Ser (NM_147185.3); short protein forms R135S.
Identifiers: ClinVar variation 4711661 (VCV004711661.1).
Genomic context (GRCh38, chr7:91,992,211, plus strand): 5'-TATACAGGTAAATGGTTGCAGTTTTGTGATGAGAACAGGAAAGCCTACAAATTTATTAAG[G>C]GTACAGTATTTAAAACTACTTGTGATACTAATGTTGGATACTATTTAAAATCATCTGGCT-3'
Protein context (NP_005742.4, residues 125-145): MRTGKPTNLL[Arg135Ser]EEEFGVDDSY

ClinVar aggregate classification (germline): Uncertain significance (1 of 4 stars; one submission).

Conditions:
Long QT syndrome (LQTS). Identifiers: MedGen C0023976, MeSH D008133, MONDO:0002442. Disease mechanism: loss of function. Inheritance: Various modes of inheritance.

gnomAD v4.1: 10 of 1,603,494 alleles (0.00062%); highest among the groups gnomAD compares: South Asian, 0.0022%; no homozygotes.

Submission:

Labcorp Genetics (formerly Invitae), Labcorp
Classification: Uncertain significance for Long QT syndrome. Last evaluated: 2025-03-24. Review status: criteria provided, single submitter. Criteria: Invitae Variant Classification Sherloc (09022015). Collection method: clinical testing. Allele origin: germline.
Comment: This sequence change replaces arginine, which is basic and polar, with serine, which is neutral and polar, at codon 135 of the AKAP9 protein (p.Arg135Ser). This variant also falls at the last nucleotide of exon 4, which is part of the consensus splice site for this exon. This variant is present in population databases (rs749209057, gnomAD 0.003%). This variant has not been reported in the literature in individuals affected with AKAP9-related conditions. An algorithm developed to predict the effect of missense changes on protein structure and function (PolyPhen-2) suggests that this variant is likely to be disruptive. Variants that disrupt the consensus splice site are a relatively common cause of aberrant splicing (PMID: 17576681, 9536098). In summary, the available evidence is currently insufficient to determine the role of this variant in disease. Therefore, it has been classified as a Variant of Uncertain Significance.

Literature cited by the submitters: PubMed 17576681; PubMed 9536098.